The following is an entry in ClinVar:

NM_016363.5(GP6):c.72G>A (p.Pro24=)

Gene: GP6 (glycoprotein VI platelet; minus strand). Cytogenetic location: 19q13.42.
Variant type: single nucleotide variant.
Coding change: c.72G>A on transcript NM_016363.5 (MANE Select); coding-DNA position 72, G replaced by A.
Protein change: p.Pro24=; no amino-acid change (proline 24 retained).
Molecular consequence: synonymous variant.
Genome position (GRCh38, 1-based): chr19:55,032,392, C>T on the plus strand (G>A on the coding strand, the complement: GP6 is on the minus strand). VCF-style: chr19-55032392-C-T. GRCh37 (hg19) VCF-style: chr19-55543760-C-T.
Other names: c.72G>A, p.Pro24= (NM_001083899.2, NM_001256017.2).
Identifiers: ClinVar variation 3011785 (VCV003011785.5), dbSNP rs368522136, ClinGen allele CA310134620.

ClinVar aggregate classification (germline): Likely benign. Review status: criteria provided, single submitter (1 of 4 stars). 2 submissions from 2 submitters: Likely benign (1). 1 of the submissions does not count toward it. Last evaluated 2025-06-12.

Conditions:
GP6-related disorder. Also called: GP6-related condition.

Allele frequency attached by ClinVar (database versions not stated): gnomAD 0.00013; ExAC 0.00005; ESP Exome Variant Server 0.00008.
gnomAD v4.1: 57 of 1,612,474 alleles (0.0035%); highest among the groups gnomAD compares: Admixed American, 0.047%; no homozygotes.

Submissions (2):

Labcorp Genetics (formerly Invitae), Labcorp
Classification: Likely benign. Last evaluated: 2025-06-12. Review status: criteria provided, single submitter. Criteria: Invitae Variant Classification Sherloc (09022015). Collection method: clinical testing. Allele origin: germline.

PreventionGenetics, part of Exact Sciences
Classification: Likely benign for GP6-related condition. Last evaluated: 2019-08-20. Review status: no assertion criteria provided. Collection method: clinical testing. Allele origin: germline. Not counted in ClinVar's aggregate classification.
Comment: This variant is classified as likely benign based on ACMG/AMP sequence variant interpretation guidelines (Richards et al. 2015 PMID: 25741868, with internal and published modifications).